The following is an entry in ClinVar:

NM_001734.5(C1S):c.1999C>G (p.Arg667Gly)

Gene: C1S (complement C1s; plus strand). Cytogenetic location: 12p13.31.
Variant type: single nucleotide variant.
Coding change: c.1999C>G on transcript NM_001734.5 (MANE Select); coding-DNA position 1999, C replaced by G.
Protein change: p.Arg667Gly; replaces arginine 667 with glycine.
Molecular consequence: missense variant.
Genome position (GRCh38, 1-based): chr12:7,070,583, C>G. VCF-style: chr12-7070583-C-G. GRCh37 (hg19) VCF-style: chr12-7177887-C-G.
Other names: c.1498C>G, p.Arg500Gly (NM_001346850.2); c.1999C>G, p.Arg667Gly (NM_201442.4); short protein forms R500G, R667G.
Identifiers: ClinVar variation 3629984 (VCV003629984.2).

ClinVar aggregate classification (germline): Uncertain significance (1 of 4 stars; one submission).

Submission:

Women's Health and Genetics/Laboratory Corporation of America, LabCorp
Classification: Uncertain significance. Last evaluated: 2025-06-19. Review status: criteria provided, single submitter. Criteria: LabCorp Variant Classification Summary - May 2015. Collection method: clinical testing. Allele origin: germline.
Comment: Variant summary: C1S c.1999C>G (p.Arg667Gly) results in a non-conservative amino acid change located in the Serine proteases, trypsin domain (IPR001254) of the encoded protein sequence. Algorithms developed to predict the effect of missense changes on protein structure and function are either unavailable or do not agree on the potential impact of this missense change. The variant was absent in 251180 control chromosomes. The available data on variant occurrences in the general population are insufficient to allow any conclusion about variant significance. To our knowledge, no occurrence of c.1999C>G in individuals affected with Complement component C1s deficiency and no experimental evidence demonstrating its impact on protein function have been reported. ClinVar contains an entry for this variant (Variation ID: 3629984). Based on the evidence outlined above, the variant was classified as uncertain significance.